The following is an entry in ClinVar:

NM_000132.4(F8):c.4828G>T (p.Ala1610Ser)

Gene: F8 (coagulation factor VIII; minus strand). Cytogenetic location: Xq28.
Variant type: single nucleotide variant.
Coding change: c.4828G>T on transcript NM_000132.4 (MANE Select); coding-DNA position 4828, G replaced by T.
Protein change: p.Ala1610Ser; replaces alanine 1610 with serine.
Molecular consequence: missense variant.
Genome position (GRCh38, 1-based): chrX:154,928,962, C>A on the plus strand (G>T on the coding strand, the complement: F8 is on the minus strand). VCF-style: chrX-154928962-C-A. GRCh37 (hg19) VCF-style: chrX-154157237-C-A.
Other names: NM_000132.4(F8):c.4828G>T; p.Ala1610Ser; short protein forms A1610S.
Identifiers: ClinVar variation 1685791 (VCV001685791.4), dbSNP rs782127226, ClinGen allele CA10568071.
Genomic context (GRCh38, chrX:154,928,962, plus strand): 5'-CTATTGCATGATTGCTTTCACAAGCGTTCAGGGACAAAATGGTATCCTTTTTCTTAAAAG[C>A]TGTTTTTTCTGGTGACTTCTCTTGGGATTTCCACTCTTCTTTTGGTATCTGAGTACCATA-3'
Protein context (NP_000123.1, residues 1600-1620): KSQEKSPEKT[Ala1610Ser]FKKKDTILSL

ClinVar aggregate classification (germline): Likely benign. Review status: reviewed by expert panel (3 of 4 stars). 4 submissions from 4 submitters: Likely benign (1). 3 of the submissions do not count toward it. Last evaluated 2025-05-01.

Conditions:
Thrombophilia, X-linked, due to factor 8 defect. Also called: THROMBOPHILIA, X-LINKED, DUE TO FACTOR VIII DEFECT; Thrombophilia 13, X-linked, due to factor VIII defect. Identifiers: MedGen C5676879, MONDO:0859082, OMIM 301071.
Hereditary factor VIII deficiency disease (HEMA). Also called: HEMOPHILIA, CLASSIC; AUTOSOMAL HEMOPHILIA A; Hemophilia A; Hemophilia A, congenital; HEM A; Factor 8 deficiency, congenital. Identifiers: Orphanet 98878, MedGen C0019069, MONDO:0010602, OMIM 306700.

Allele frequency attached by ClinVar (database versions not stated): ExAC 0.00003; gnomAD exomes 0.00004; TOPMed 0.00002.

Submissions (4):

ClinGen Coagulation Factor Deficiency Variant Curation Expert Panel, Clingen
Classification: Likely benign for Hereditary factor VIII deficiency disease. Last evaluated: 2025-05-01. Review status: reviewed by expert panel. Criteria: ClinGen CoagFactor ACMG Specifications F8 V1.0.0. Collection method: curation. Allele origin: germline. Inheritance: X-linked inheritance.
Comment: The c.4828G>T variant in F8 is a missense variant predicted to cause substitution of Alanine by Serine at amino acid 1610 (p.Ala1610Ser) at exon 14 affecting the B domain of the F8 protein. However, PS4_supporting cannot be applied because number of probands must be >=8 since 3 males are seen with this variant in gnomAD v2.1.1 (PMID: 8639447). The highest population minor allele frequency in gnomAD v2.1.1 is 0.0006065 (9/14839 alleles) in East Asian population, which is higher than the ClinGen Coagulation Factor Deficiency VCEP threshold (>=0.000333) for BA1, and therefore meets this criterion (BA1). 3 males are reported with this variant. The highest MAF in gnomAD v4.1.1 is 0.0002072 (7/33790) in East Asian population, with 2 males reported with this variant, so does not meet BA1 cut-off in gnomAD v4.1.1 as per current rules. One-stage clotting assay in HEK 293T cells showed reduced FVIII:C activity of < 20% of WT but normal FVIII:Ag (approx 60% of WT) indicating that this variant impacts protein function (PMID: 24108539) (PS3). APTT and ELISA in COS-1 and CHO cells showed normal FVIII:C and FVIII:Ag levels (>80% of WT) indicating that this variant does not impact protein function (PMID: 21645226)(BS3). Due to conflicting evidence, this variant is classified as a variant of uncertain significance for Hemophilia A based on the ACMG/AMP criteria applied, as specified by the ClinGen Coagulation Factor Deficiency Variant Curation Expert Panel (version 1.0.0, released 10/5/2023): BA1, PS3.

Mendelics
Classification: Pathogenic for Thrombophilia, X-linked, due to factor 8 defect. Last evaluated: 2022-05-04. Review status: criteria provided, single submitter. Criteria: Mendelics Assertion Criteria 2019. Collection method: clinical testing. Allele origin: germline. Not counted in ClinVar's aggregate classification.

Victorian Clinical Genetics Services, Murdoch Childrens Research Institute
Classification: Uncertain significance for Hereditary factor VIII deficiency disease. Last evaluated: 2020-10-19. Review status: criteria provided, single submitter. Criteria: ACMG Guidelines, 2015. Collection method: clinical testing. Allele origin: germline. Inheritance: X-linked recessive inheritance. Not counted in ClinVar's aggregate classification.
Comment: Based on the classification scheme VCGS_Germline_v1.3.3, this variant is classified as 3A-VUS Following criteria are met: 0102 - Loss of function is a known mechanism of disease in this gene and is associated with Hemophilia A (MIM#306700). (I) 0109 - This gene is associated with X-linked recessive disease. (I) 0200 - Variant is predicted to result in a missense amino acid change from alanine to serine (I) 0251 - This variant is heterozygous. (I) 0304 - Variant is present in gnomAD <0.01 for a recessive condition (v2: 6 heterozygotes, 0 homozygotes, 2 hemizygotes). (SP) 0502 - Missense variant with conflicting in silico predictions and uninformative conservation. (I) 0600 - Variant is located in the annotated B domain (PMID: 24108539). (I) 0704 - Another missense variant comparable to the one identified in this case has limited previous evidence for pathogenicity. p.(Ala1610Pro) has been reported in a single case of Hemophilia A (MIM#306700). (SP) 0803 - This variant has limited previous evidence of pathogenicity in an unrelated individual with Hemophilia A (MIM#306700) described to have had moderate deficiency in the original report but later described as severe in EAHAD database (PMID: 8639447). (SP) 0905 - No published segregation evidence has been identified for this variant. (I) 1010 - Functional evidence for this variant is conflicting. Due to the different cell lines used, enzymatic activity and antigen secretion were either reduced or no differences were observed compared to wild-type protein (PMID: 24108539, 21645226). (I) 1208 - Inheritance information for this variant is not currently available in this individual. (I) Legend: (SP) - Supporting pathogenic, (I) - Information, (SB) - Supporting benign

Juno Genomics, Hangzhou Juno Genomics, Inc
Classification: Likely benign for Hereditary factor VIII deficiency disease; Thrombophilia, X-linked, due to factor 8 defect. Review status: criteria provided, single submitter. Criteria: ACMG Guidelines, 2015. Collection method: clinical testing. Allele origin: germline. Affected: yes. Not counted in ClinVar's aggregate classification.
Comment: Allele frequency is above 5% in population databases.;Well-established in vitro or in vivo functional studies supportive of a damaging effect on the gene or gene product.

Literature cited by the submitters: PubMed 24108539 (cited by ClinGen Coagulation Factor Deficiency Variant Curation Expert Panel, Clingen and Victorian Clinical Genetics Services, Murdoch Childrens Research Institute); PubMed 21645226 (cited by ClinGen Coagulation Factor Deficiency Variant Curation Expert Panel, Clingen and Victorian Clinical Genetics Services, Murdoch Childrens Research Institute); PubMed 8639447 (cited by Victorian Clinical Genetics Services, Murdoch Childrens Research Institute); PubMed 28252515 (cited by Victorian Clinical Genetics Services, Murdoch Childrens Research Institute).